The following is an entry in ClinVar:

NM_002017.5(FLI1):c.451T>C (p.Leu151=)

Gene: FLI1 (Fli-1 proto-oncogene, ETS transcription factor; plus strand). Cytogenetic location: 11q24.3.
Variant type: single nucleotide variant.
Coding change: c.451T>C on transcript NM_002017.5 (MANE Select); coding-DNA position 451, T replaced by C.
Protein change: p.Leu151=; no amino-acid change (leucine 151 retained).
Molecular consequence: synonymous variant. On other transcripts: intron variant (1).
Genome position (GRCh38, 1-based): chr11:128,772,847, T>C. VCF-style: chr11-128772847-T-C. GRCh37 (hg19) VCF-style: chr11-128642742-T-C.
Other names: c.352T>C, p.Leu118= (NM_001167681.3); c.253T>C, p.Leu85= (NM_001271010.2); c.11-9111T>C (NM_001271012.2).
Identifiers: ClinVar variation 3031393 (VCV003031393.4), dbSNP rs766752439, ClinGen allele CA6357131.

ClinVar aggregate classification (germline): Likely benign. Review status: criteria provided, single submitter (1 of 4 stars). 2 submissions from 2 submitters: Likely benign (1). 1 of the submissions does not count toward it. Last evaluated 2024-11-05.

Conditions:
FLI1-related disorder. Also called: FLI1-related condition.

Allele frequency attached by ClinVar (database versions not stated): ExAC 0.00001; gnomAD 0.00001; TOPMed 0.00001; gnomAD exomes 0.00002.
gnomAD v4.1: 30 of 1,613,796 alleles (0.0019%); highest among the groups gnomAD compares: Non-Finnish European, 0.0019%; no homozygotes.

Submissions (2):

Labcorp Genetics (formerly Invitae), Labcorp
Classification: Likely benign. Last evaluated: 2024-11-05. Review status: criteria provided, single submitter. Criteria: Invitae Variant Classification Sherloc (09022015). Collection method: clinical testing. Allele origin: germline.

PreventionGenetics, part of Exact Sciences
Classification: Likely benign for FLI1-related condition. Last evaluated: 2020-12-08. Review status: no assertion criteria provided. Collection method: clinical testing. Allele origin: germline. Not counted in ClinVar's aggregate classification.
Comment: This variant is classified as likely benign based on ACMG/AMP sequence variant interpretation guidelines (Richards et al. 2015 PMID: 25741868, with internal and published modifications).